The following is an entry in ClinVar:

ClinVar aggregate classification (germline): Uncertain significance (1 of 4 stars; one submission).

Conditions:
Hereditary cancer-predisposing syndrome. Also called: Tumor predisposition; Hereditary Cancer Syndrome; Hereditary neoplastic syndrome; Neoplastic Syndromes, Hereditary. Identifiers: Orphanet 140162, MedGen C0027672, MeSH D009386, MONDO:0015356.

Submission:

Ambry Genetics
Classification: Uncertain significance for Hereditary cancer-predisposing syndrome. Last evaluated: 2024-05-29. Review status: criteria provided, single submitter. Criteria: Ambry Variant Classification Scheme 2023. Collection method: clinical testing. Allele origin: germline.
Comment: The p.D1734A variant (also known as c.5201A>C), located in coding exon 23 of the DICER1 gene, results from an A to C substitution at nucleotide position 5201. The aspartic acid at codon 1734 is replaced by alanine, an amino acid with dissimilar properties. This amino acid position is conserved. In addition, this alteration is predicted to be deleterious by in silico analysis. Based on the available evidence, the clinical significance of this variant remains unclear.

NM_177438.3(DICER1):c.5201A>C (p.Asp1734Ala)

Gene: DICER1 (dicer 1, ribonuclease III; minus strand). Cytogenetic location: 14q32.13.
Variant type: single nucleotide variant.
Coding change: c.5201A>C on transcript NM_177438.3 (MANE Select); coding-DNA position 5201, A replaced by C.
Protein change: p.Asp1734Ala; replaces aspartic acid 1734 with alanine.
Molecular consequence: missense variant. On other transcripts: non-coding transcript variant (6).
Genome position (GRCh38, 1-based): chr14:95,094,051, T>G on the plus strand (A>C on the coding strand, the complement: DICER1 is on the minus strand). VCF-style: chr14-95094051-T-G. GRCh37 (hg19) VCF-style: chr14-95560388-T-G.
Other names: c.5201A>C, p.Asp1734Ala (NM_001195573.1, NM_001271282.3, NM_001291628.2 and 8 more transcripts); c.4919A>C, p.Asp1640Ala (NM_001395686.1); c.4796A>C, p.Asp1599Ala (NM_001395687.1, NM_001395688.1, NM_001395689.1 and 1 more transcripts); c.4634A>C, p.Asp1545Ala (NM_001395691.1); c.3518A>C, p.Asp1173Ala (NM_001395697.1); short protein forms D1173A, D1599A, D1734A, D1640A, D1545A.
Identifiers: ClinVar variation 3272035 (VCV003272035.1).
Genomic context (GRCh38, chr14:95,094,051, plus strand): 5'-TAGTCGTACTTTACAGCCAGCGATGCAAAGATGGTGTTGTTGACCAGGGCAGACCGCAGG[T>G]CTGTCAGGACCCCCGGGGAGTGCTGCCGCGGGTCTTCATAAAGGTGCTTGGTTATGAGGT-3'
Protein context (NP_803187.1, residues 1724-1744): PRQHSPGVLT[Asp1734Ala]LRSALVNNTI